The following is an entry in ClinVar:

NM_000064.4(C3):c.1480-1G>T

Gene: C3 (complement C3; minus strand). Cytogenetic location: 19p13.3.
Variant type: single nucleotide variant.
Coding change: c.1480-1G>T on transcript NM_000064.4 (MANE Select); the canonical splice acceptor site of the intron before coding-DNA position 1480, G replaced by T.
Molecular consequence: splice acceptor variant.
Genome position (GRCh38, 1-based): chr19:6,710,846, C>A on the plus strand (G>T on the coding strand, the complement: C3 is on the minus strand). VCF-style: chr19-6710846-C-A. GRCh37 (hg19) VCF-style: chr19-6710857-C-A.
Identifiers: ClinVar variation 4280252 (VCV004280252.1).

ClinVar aggregate classification (germline): Pathogenic (1 of 4 stars; one submission).

Conditions:
Complement component 3 deficiency. Identifiers: Orphanet 280133, MedGen C3151071, MONDO:0013417, OMIM 613779.

Submission:

Genomenon, Inc
Classification: Pathogenic for Complement component 3 deficiency. Last evaluated: 2025-09-30. Review status: criteria provided, single submitter. Criteria: Genomenon Sequence Variant Interpretation Standards. Collection method: curation. Allele origin: germline. Affected: yes.
Comment: C3 c.1480-1G>T is a canonical splice variant located in the acceptor splice region of intron 12. This variant has been observed in at least one proband affected with C3 deficiency (PMID:26435005). It is absent or not present at a significant frequency in gnomAD. In conclusion, we classify C3 c.1480-1G>T as a pathogenic variant.

Literature cited by the submitters: PubMed 26435005.